The following is an entry in ClinVar:

ClinVar aggregate classification (germline): Uncertain significance. Review status: criteria provided, multiple submitters, no conflicts (2 of 4 stars). 2 submissions from 2 submitters: Uncertain significance (2). Last evaluated 2023-06-08.

Conditions:
Congenital myasthenic syndrome 8. Also called: Myasthenic syndrome, congenital, 8, with pre- and postsynaptic defects; MYASTHENIC SYNDROME, CONGENITAL, DUE TO AGRIN DEFICIENCY. Identifiers: Orphanet 590, MedGen C3808739, MONDO:0014052, OMIM 615120.

Allele frequency attached by ClinVar (database versions not stated): gnomAD 0.00003; gnomAD exomes 0.00004; ExAC 0.00005; ESP Exome Variant Server 0.00008; TOPMed 0.00016; 1000 Genomes Project 30x 0.00031; 1000 Genomes Project 0.00040.

Submissions (2):

Mayo Clinic Laboratories, Mayo Clinic
Classification: Uncertain significance. Last evaluated: 2023-06-08. Review status: criteria provided, single submitter. Criteria: ACMG Guidelines, 2015. Collection method: clinical testing. Allele origin: germline. Observed: 1 variant allele.
Comment: BP4

Labcorp Genetics (formerly Invitae), Labcorp
Classification: Uncertain significance for Congenital myasthenic syndrome 8. Last evaluated: 2022-07-12. Review status: criteria provided, single submitter. Criteria: Invitae Variant Classification Sherloc (09022015). Collection method: clinical testing. Allele origin: germline.
Comment: This sequence change replaces arginine, which is basic and polar, with tryptophan, which is neutral and slightly polar, at codon 1178 of the AGRN protein (p.Arg1178Trp). This variant is present in population databases (rs149268246, gnomAD 0.02%). This variant has not been reported in the literature in individuals affected with AGRN-related conditions. ClinVar contains an entry for this variant (Variation ID: 570533). Algorithms developed to predict the effect of missense changes on protein structure and function are either unavailable or do not agree on the potential impact of this missense change (SIFT: "Deleterious"; PolyPhen-2: "Benign"; Align-GVGD: "Class C0"). In summary, the available evidence is currently insufficient to determine the role of this variant in disease. Therefore, it has been classified as a Variant of Uncertain Significance.

NM_198576.4(AGRN):c.3532C>T (p.Arg1178Trp)

Gene: AGRN (agrin; plus strand). Cytogenetic location: 1p36.33.
Variant type: single nucleotide variant.
Coding change: c.3532C>T on transcript NM_198576.4 (MANE Select); coding-DNA position 3532, C replaced by T.
Protein change: p.Arg1178Trp; replaces arginine 1178 with tryptophan.
Molecular consequence: missense variant.
Genome position (GRCh38, 1-based): chr1:1,047,588, C>T. VCF-style: chr1-1047588-C-T. GRCh37 (hg19) VCF-style: chr1-982968-C-T.
Other names: p.Arg1178Trp; c.3532C>T, p.Arg1178Trp (NM_001305275.2); c.3217C>T, p.Arg1073Trp (NM_001364727.2); short protein forms R1178W, R1073W.
Identifiers: ClinVar variation 570533 (VCV000570533.7), dbSNP rs149268246, ClinGen allele CA509131.
Genomic context (GRCh38, chr1:1,047,588, plus strand): 5'-CCGGCTTGGGCGGCCCCCCAAGTCCTTGCCTACTCCCTGCCACAGCTGGACGACCTCTTC[C>T]GGAATTCAGACGTCAAGAAGGATTTTCGGAGTGTCCGCTTGCGGGACCTGGGGCCCGGCA-3'
Protein context (NP_940978.2, residues 1168-1188): SIESTLDDLF[Arg1178Trp]NSDVKKDFRS